The following is an entry in ClinVar:

NM_004006.3(DMD):c.9694C>T (p.Arg3232Cys)

Gene: DMD (dystrophin; minus strand). Cytogenetic location: Xp21.2.
Variant type: single nucleotide variant.
Coding change: c.9694C>T on transcript NM_004006.3 (MANE Select); coding-DNA position 9694, C replaced by T.
Protein change: p.Arg3232Cys; replaces arginine 3232 with cysteine.
Molecular consequence: missense variant.
Genome position (GRCh38, 1-based): chrX:31,204,074, G>A on the plus strand (C>T on the coding strand, the complement: DMD is on the minus strand). VCF-style: chrX-31204074-G-A. GRCh37 (hg19) VCF-style: chrX-31222191-G-A.
Other names: c.9670C>T, p.Arg3224Cys (NM_000109.4); c.9682C>T, p.Arg3228Cys (NM_004009.3); c.9325C>T, p.Arg3109Cys (NM_004010.3); c.5671C>T, p.Arg1891Cys (NM_004011.4); c.5662C>T, p.Arg1888Cys (NM_004012.4); c.2314C>T, p.Arg772Cys (NM_004013.3, NM_004020.4, NM_004021.3 and 2 more transcripts); c.1507C>T, p.Arg503Cys (NM_004014.3); c.490C>T, p.Arg164Cys (NM_004015.3, NM_004016.3, NM_004017.3 and 2 more transcripts); short protein forms R3228C, R1891C, R3109C, R503C, R164C, R1888C, R3224C, R772C.
Identifiers: ClinVar variation 94858 (VCV000094858.9), dbSNP rs145030353, ClinGen allele CA222547.

ClinVar aggregate classification (germline): Uncertain significance. Review status: criteria provided, multiple submitters, no conflicts (2 of 4 stars). 2 submissions from 2 submitters: Uncertain significance (2). Last evaluated 2024-01-05.

Conditions:
Duchenne muscular dystrophy (DMD). Also called: Duchenne Muscular Dystrophy (DMD); MUSCULAR DYSTROPHY, PSEUDOHYPERTROPHIC PROGRESSIVE, DUCHENNE TYPE. Identifiers: Orphanet 98896, MedGen C0013264, MONDO:0010679, OMIM 310200.

Allele frequency attached by ClinVar (database versions not stated): gnomAD exomes 0.00001; ExAC 0.00001.
gnomAD v4.1: 7 of 1,210,998 alleles (0.00058%); highest among the groups gnomAD compares: South Asian, 0.0035%; no homozygotes.

Submissions (2):

Labcorp Genetics (formerly Invitae), Labcorp
Classification: Uncertain significance for Duchenne muscular dystrophy. Last evaluated: 2024-01-05. Review status: criteria provided, single submitter. Criteria: Invitae Variant Classification Sherloc (09022015). Collection method: clinical testing. Allele origin: germline.
Comment: This sequence change replaces arginine, which is basic and polar, with cysteine, which is neutral and slightly polar, at codon 3232 of the DMD protein (p.Arg3232Cys). This variant is present in population databases (rs145030353, gnomAD 0.001%). This variant has not been reported in the literature in individuals affected with DMD-related conditions. ClinVar contains an entry for this variant (Variation ID: 94858). Advanced modeling of protein sequence and biophysical properties (such as structural, functional, and spatial information, amino acid conservation, physicochemical variation, residue mobility, and thermodynamic stability) has been performed at Invitae for this missense variant, however the output from this modeling did not meet the statistical confidence thresholds required to predict the impact of this variant on DMD protein function. In summary, the available evidence is currently insufficient to determine the role of this variant in disease. Therefore, it has been classified as a Variant of Uncertain Significance.

Eurofins Ntd Llc (ga)
Classification: Uncertain significance. Last evaluated: 2014-03-11. Review status: criteria provided, single submitter. Criteria: EGL Classification Definitions 2015. Collection method: clinical testing. Allele origin: germline. Observed: 2 variant alleles, 1 heterozygote, 1 hemizygote.